The following is an entry in ClinVar:

NM_006623.4(PHGDH):c.376dup (p.Ala126fs)

Gene: PHGDH (phosphoglycerate dehydrogenase; plus strand). Cytogenetic location: 1p12.
Variant type: Duplication.
Coding change: c.376dup on transcript NM_006623.4 (MANE Select); coding-DNA position 376, one base duplicated (G; older notation c.376dupG).
Protein change: p.Ala126fs; shifts the reading frame from alanine 126.
Molecular consequence: frameshift variant.
Genome position (GRCh38, 1-based): chr1:119,726,870, G duplicated; the last of 2 consecutive G bases (chr1:119,726,869-119,726,870); duplicating either gives the same sequence. VCF-style (leftmost placement, unchanged base first): chr1-119726868-C-CG. GRCh37 (hg19) VCF-style: chr1-120269491-C-CG.
Other names: short protein forms A126fs.
Identifiers: ClinVar variation 5014468 (VCV005014468.1).

ClinVar aggregate classification (germline): Pathogenic (1 of 4 stars; one submission).

Conditions:
Neurometabolic disorder due to serine deficiency. Identifiers: Orphanet 35705, MedGen C5680148, MONDO:0018162.

Submission:

Myriad Genetics, Inc.
Classification: Pathogenic for Neurometabolic disorder due to serine deficiency. Last evaluated: 2024-05-14. Review status: criteria provided, single submitter. Criteria: Myriad Autosomal Dominant, Autosomal Recessive and X-Linked Classification Criteria (2023). Collection method: clinical testing. Allele origin: unknown.
Comment: NM_006623.3(PHGDH):c.376dupG(A126Gfs*50) is expected to be pathogenic in the context of serine deficiency disorder, PHGDH-related. This variant is predicted to lead to an abnormal or absent protein product due to the creation of a premature termination codon in PHGDH, a gene where loss-of-function variants are known to be pathogenic. Please note: this variant was assessed in the context of healthy population screening.